The following is an entry in ClinVar:

NM_206933.4(USH2A):c.784+1G>T

Gene: USH2A (usherin; minus strand). Cytogenetic location: 1q41.
Variant type: single nucleotide variant.
Coding change: c.784+1G>T on transcript NM_206933.4 (MANE Select); the canonical splice donor site of the intron after coding-DNA position 784, G replaced by T.
Molecular consequence: splice donor variant.
Genome position (GRCh38, 1-based): chr1:216,364,952, C>A on the plus strand (G>T on the coding strand, the complement: USH2A is on the minus strand). VCF-style: chr1-216364952-C-A. GRCh37 (hg19) VCF-style: chr1-216538294-C-A.
Other names: c.784+1G>T (NM_007123.6).
Identifiers: ClinVar variation 4713033 (VCV004713033.3).
Genomic context (GRCh38, chr1:216,364,952, plus strand): 5'-TGCATTTTTAAGAACAATGTAATTGGATGAAATAAATAACATTCTGAAGTCAGAAACTTA[C>A]CATTTAAACTCTGTCCTATTTGCACAGTACCAGATGCAAAATCTGTAATTGAACCACTTA-3'

ClinVar aggregate classification (germline): Pathogenic/Likely pathogenic. Review status: criteria provided, multiple submitters, no conflicts (2 of 4 stars). 2 submissions from 2 submitters: Pathogenic (1); Likely pathogenic (1). Last evaluated 2025-04-14.

Conditions:
Retinitis pigmentosa 39 (RP39). Identifiers: Orphanet 791, MedGen C3151138, MONDO:0013436, OMIM 613809.
Usher syndrome type 2A. Also called: RETINAL DISEASE IN USHER SYNDROME TYPE IIA, MODIFIER OF; USHER SYNDROME, TYPE IIA. Identifiers: Orphanet 231178, Orphanet 886, MedGen C1848634, MONDO:0010169, OMIM 276901.

Submissions (2):

Labcorp Genetics (formerly Invitae), Labcorp
Classification: Pathogenic. Last evaluated: 2025-04-14. Review status: criteria provided, single submitter. Criteria: Invitae Variant Classification Sherloc (09022015). Collection method: clinical testing. Allele origin: germline.
Comment: This sequence change affects a donor splice site in intron 4 of the USH2A gene. It is expected to disrupt RNA splicing. Variants that disrupt the donor or acceptor splice site typically lead to a loss of protein function (PMID: 16199547), and loss-of-function variants in USH2A are known to be pathogenic (PMID: 10729113, 10909849, 20507924, 25649381). This variant is not present in population databases (gnomAD no frequency). Disruption of this splice site has been observed in individual(s) with clinical features of USH2A-related conditions (internal data). In at least one individual the data is consistent with being in trans (on the opposite chromosome) from a pathogenic variant. Algorithms developed to predict the effect of sequence changes on RNA splicing suggest that this variant may disrupt the consensus splice site. For these reasons, this variant has been classified as Pathogenic.

Juno Genomics, Hangzhou Juno Genomics, Inc
Classification: Likely pathogenic for Retinitis pigmentosa 39; Usher syndrome type 2A. Review status: criteria provided, single submitter. Criteria: ACMG Guidelines, 2015. Collection method: clinical testing. Allele origin: germline.
Comment: Null variant in a gene where loss of function (LOF) is a known mechanism of disease.;Absent from controls (or at extremely low frequency if recessive) in Genome Aggregation Database.

Literature cited by the submitters: PubMed 16199547 (cited by Labcorp Genetics (formerly Invitae), Labcorp); PubMed 10729113 (cited by Labcorp Genetics (formerly Invitae), Labcorp); PubMed 10909849 (cited by Labcorp Genetics (formerly Invitae), Labcorp); PubMed 20507924 (cited by Labcorp Genetics (formerly Invitae), Labcorp); PubMed 25649381 (cited by Labcorp Genetics (formerly Invitae), Labcorp).